The following is an entry in ClinVar:

NM_020975.6(RET):c.2415G>T (p.Glu805Asp)

Gene: RET (ret proto-oncogene; plus strand). Cytogenetic location: 10q11.21.
Variant type: single nucleotide variant.
Coding change: c.2415G>T on transcript NM_020975.6 (MANE Select); coding-DNA position 2415, G replaced by T.
Protein change: p.Glu805Asp; replaces glutamic acid 805 with aspartic acid.
Molecular consequence: missense variant.
Genome position (GRCh38, 1-based): chr10:43,119,553, G>T. VCF-style: chr10-43119553-G-T. GRCh37 (hg19) VCF-style: chr10-43615001-G-T.
Other names: c.1653G>T, p.Glu551Asp (NM_001355216.2); c.2415G>T, p.Glu805Asp (NM_001406743.1, NM_001406744.1, NM_001406759.1 and 2 more transcripts); c.2286G>T, p.Glu762Asp (NM_001406761.1, NM_001406762.1, NM_001406764.1); c.2280G>T, p.Glu760Asp (NM_001406763.1, NM_001406765.1); c.1977G>T, p.Glu659Asp (NM_001406773.1, NM_001406771.1); c.1890G>T, p.Glu630Asp (NM_001406774.1); c.1689G>T, p.Glu563Asp (NM_001406775.1, NM_001406776.1, NM_001406777.1 and 1 more transcripts); c.1518G>T, p.Glu506Asp (NM_001406779.1, NM_001406780.1, NM_001406781.1 and 1 more transcripts); and 10 more; short protein forms E322D, E410D, E475D, E506D, E717D, E760D, E762D, E466D.
Identifiers: ClinVar variation 5028201 (VCV005028201.1).

ClinVar aggregate classification (germline): Uncertain significance (1 of 4 stars; one submission).

Conditions:
Hereditary cancer-predisposing syndrome. Also called: Neoplastic Syndromes, Hereditary; Tumor predisposition; Hereditary neoplastic syndrome; Hereditary Cancer Syndrome. Identifiers: Orphanet 140162, MedGen C0027672, MeSH D009386, MONDO:0015356.

Submission:

Ambry Genetics
Classification: Uncertain significance for Hereditary cancer-predisposing syndrome. Last evaluated: 2026-08-08. Review status: criteria provided, single submitter. Criteria: Ambry Variant Classification Scheme 2023. Collection method: clinical testing. Allele origin: germline.
Comment: The p.E805D variant (also known as c.2415G>T), located in coding exon 14 of the RET gene, results from a G to T substitution at nucleotide position 2415. The glutamic acid at codon 805 is replaced by aspartic acid, an amino acid with highly similar properties. This amino acid position is conserved. In addition, this alteration is predicted to be deleterious by in silico analysis. Based on the available evidence, the clinical significance of this variant remains unclear.